The following is an entry in ClinVar:

NM_000426.4(LAMA2):c.2857-13C>T

Gene: LAMA2 (laminin subunit alpha 2; plus strand). Cytogenetic location: 6q22.33.
Variant type: single nucleotide variant.
Coding change: c.2857-13C>T on transcript NM_000426.4 (MANE Select); 13 bases into the intron before coding-DNA position 2857, C replaced by T.
Molecular consequence: intron variant.
Genome position (GRCh38, 1-based): chr6:129,297,672, C>T. VCF-style: chr6-129297672-C-T. GRCh37 (hg19) VCF-style: chr6-129618817-C-T.
Other names: c.2857-13C>T (NM_001079823.2).
Identifiers: ClinVar variation 355261 (VCV000355261.13), dbSNP rs201188972, ClinGen allele CA3993091.

ClinVar aggregate classification (germline): Conflicting classifications of pathogenicity. Review status: criteria provided, conflicting classifications (1 of 4 stars). 4 submissions from 4 submitters: Uncertain significance (1); Likely benign (3). Last evaluated 2026-02-02.

Conditions:
Congenital muscular dystrophy due to partial LAMA2 deficiency. Identifiers: MedGen C1842898.
LAMA2-related muscular dystrophy (LAMA2-RD). Also called: Laminin alpha 2-related dystrophy. Identifiers: MedGen C5679788, MONDO:0100228.

Allele frequency attached by ClinVar (database versions not stated): ESP Exome Variant Server 0.00015; 1000 Genomes Project 30x 0.00016; 1000 Genomes Project 0.00020; ExAC 0.00030; gnomAD exomes 0.00030 and 0.00074; TOPMed 0.00030; gnomAD 0.00036 and 0.00037.
gnomAD v4.1: 1,142 of 1,612,946 alleles (0.071%); highest among the groups gnomAD compares: Non-Finnish European, 0.092%; no homozygotes.

Submissions (4):

Labcorp Genetics (formerly Invitae), Labcorp
Classification: Likely benign for LAMA2-related muscular dystrophy. Last evaluated: 2026-02-02. Review status: criteria provided, single submitter. Criteria: Invitae Variant Classification Sherloc (09022015). Collection method: clinical testing. Allele origin: germline.

Blueprint Genetics
Classification: Likely benign. Last evaluated: 2024-10-25. Review status: criteria provided, single submitter. Criteria: ACMG Guidelines, 2015. Collection method: clinical testing. Allele origin: germline.

Illumina Laboratory Services, Illumina
Classification: Uncertain significance for Congenital muscular dystrophy due to partial LAMA2 deficiency. Last evaluated: 2018-01-13. Review status: criteria provided, single submitter. Criteria: ICSL Variant Classification Criteria 13 December 2019. Collection method: clinical testing. Allele origin: germline.

GeneDx
Classification: Likely benign. Last evaluated: 2017-08-01. Review status: criteria provided, single submitter. Criteria: GeneDx Variant Classification (06012015). Collection method: clinical testing. Allele origin: germline. Affected: yes.
Comment: This variant is considered likely benign or benign based on one or more of the following criteria: it is a conservative change, it occurs at a poorly conserved position in the protein, it is predicted to be benign by multiple in silico algorithms, and/or has population frequency not consistent with disease.